The following is an entry in ClinVar:

ClinVar aggregate classification (germline): Uncertain significance. Review status: criteria provided, multiple submitters, no conflicts (2 of 4 stars). 2 submissions from 2 submitters: Uncertain significance (2). Last evaluated 2025-10-10.

Conditions:
Restrictive cardiomyopathy. Identifiers: Orphanet 217632, MedGen C0007196, MeSH D002313, MONDO:0005201, HP:0001723.
Distal myopathy with posterior leg and anterior hand involvement. Also called: WILLIAMS DISTAL MYOPATHY. Identifiers: Orphanet 63273, MedGen C3279722, MONDO:0013550, OMIM 614065.
Myofibrillar myopathy 5. Also called: Filaminopathy (type); FILAMINOPATHY, AUTOSOMAL DOMINANT. Identifiers: Orphanet 171445, MedGen C1836050, MONDO:0012289, OMIM 609524.
Hypertrophic cardiomyopathy 26. Also called: Cardiomyopathy, familial hypertrophic, 26. Identifiers: Orphanet 75249, MedGen C4310749, MONDO:0014883, OMIM 617047.

Submissions (2):

Labcorp Genetics (formerly Invitae), Labcorp
Classification: Uncertain significance for Distal myopathy with posterior leg and anterior hand involvement; Myofibrillar myopathy 5; Hypertrophic cardiomyopathy 26. Last evaluated: 2025-10-10. Review status: criteria provided, single submitter. Criteria: Invitae Variant Classification Sherloc (09022015). Collection method: clinical testing. Allele origin: germline.
Comment: This sequence change replaces glycine, which is neutral and non-polar, with valine, which is neutral and non-polar, at codon 1184 of the FLNC protein (p.Gly1184Val). This variant is not present in population databases (gnomAD no frequency). This variant has not been reported in the literature in individuals affected with FLNC-related conditions. ClinVar contains an entry for this variant (Variation ID: 1722580). Invitae Evidence Modeling of protein sequence and biophysical properties (such as structural, functional, and spatial information, amino acid conservation, physicochemical variation, residue mobility, and thermodynamic stability) has been performed for this missense variant. However, the output from this modeling did not meet the statistical confidence thresholds required to predict the impact of this variant on FLNC protein function. In summary, the available evidence is currently insufficient to determine the role of this variant in disease. Therefore, it has been classified as a Variant of Uncertain Significance.

Department of Cell and Molecular Biology, Manipal School of Life Sciences, Manipal Academy of Higher Education
Classification: Uncertain significance for Restrictive cardiomyopathy. Review status: criteria provided, single submitter. Criteria: ACMG Guidelines, 2015. Collection method: research. Allele origin: germline. Inheritance: Autosomal dominant inheritance. Affected: yes. Observed: 1 heterozygote.
Comment: The Gly1184Val variant has not been reported previously nor is it present in large population studies.

NM_001458.5(FLNC):c.3551G>T (p.Gly1184Val)

Gene: FLNC (filamin C; plus strand). Cytogenetic location: 7q32.1.
Variant type: single nucleotide variant.
Coding change: c.3551G>T on transcript NM_001458.5 (MANE Select); coding-DNA position 3551, G replaced by T.
Protein change: p.Gly1184Val; replaces glycine 1184 with valine.
Molecular consequence: missense variant.
Genome position (GRCh38, 1-based): chr7:128,845,016, G>T. VCF-style: chr7-128845016-G-T. GRCh37 (hg19) VCF-style: chr7-128485070-G-T.
Other names: c.3551G>T, p.Gly1184Val (NM_001127487.2); short protein forms G1184V.
Identifiers: ClinVar variation 1722580 (VCV001722580.3), dbSNP rs2128936473, ClinGen allele CA369197222.
Genomic context (GRCh38, chr7:128,845,016, plus strand): 5'-GCCTGGAGCGCGGCAAGGTCGGTGAGGCAGCCACCTTCACTGTGGACTGCTCAGAGGCAG[G>T]CGAGGCGGAGCTGACCATTGAGATCCTGTCGGATGCCGGGGTCAAGGCCGAGGTGCTGAT-3'
Protein context (NP_001449.3, residues 1174-1194): ATFTVDCSEA[Gly1184Val]EAELTIEILS